The following is an entry in ClinVar:

ClinVar aggregate classification (germline): Likely benign. Review status: criteria provided, multiple submitters, no conflicts (2 of 4 stars). 3 submissions from 3 submitters: Likely benign (3). Last evaluated 2025-01-19.

Conditions:
Hereditary breast ovarian cancer syndrome. Also called: Hereditary breast and ovarian cancer syndrome; Breast and ovarian cancer; Hereditary breast and/or ovarian cancer syndrome; Hereditary breast and ovarian cancer; Hereditary breast and ovarian cancer syndrome (HBOC); BRCA1- and BRCA2-Associated Hereditary Breast and Ovarian Cancer. Identifiers: Orphanet 145, MedGen C0677776, MeSH D061325, MONDO:0003582. Disease mechanism: loss of function.
Hereditary cancer-predisposing syndrome. Also called: Neoplastic Syndromes, Hereditary; Hereditary neoplastic syndrome; Hereditary Cancer Syndrome; Tumor predisposition. Identifiers: Orphanet 140162, MedGen C0027672, MeSH D009386, MONDO:0015356.
Breast-ovarian cancer, familial, susceptibility to, 2 (BROVCA2). Also called: BRCA2 Hereditary Breast and Ovarian Cancer. Identifiers: Orphanet 145, MedGen C2675520, MONDO:0012933, OMIM 612555. Disease mechanism: loss of function.

Submissions (3):

Ambry Genetics
Classification: Likely benign for Hereditary cancer-predisposing syndrome. Last evaluated: 2025-01-19. Review status: criteria provided, single submitter. Criteria: Ambry Variant Classification Scheme 2023. Collection method: clinical testing. Allele origin: germline.

All of Us Research Program, National Institutes of Health
Classification: Likely benign for Breast-ovarian cancer, familial, susceptibility to, 2. Last evaluated: 2023-11-02. Review status: criteria provided, single submitter. Criteria: ACMG Guidelines, 2015. Collection method: clinical testing. Allele origin: germline. Inheritance: Autosomal dominant inheritance. Observed: 1 variant allele, 1 heterozygote.
Comment: This study involves interpretation of variants in research participants for the purpose of population health screening. Participant phenotype was not available at the time of variant classification. Additional details can be found in publication PMID: 35346344, PMCID: PMC8962531

Labcorp Genetics (formerly Invitae), Labcorp
Classification: Likely benign for Hereditary breast ovarian cancer syndrome. Last evaluated: 2020-06-15. Review status: criteria provided, single submitter. Criteria: Invitae Variant Classification Sherloc (09022015). Collection method: clinical testing. Allele origin: germline.

NM_000059.4(BRCA2):c.1680T>C (p.Asn560=)

Gene: BRCA2 (BRCA2 DNA repair associated; plus strand). Cytogenetic location: 13q13.1.
Variant type: single nucleotide variant.
Coding change: c.1680T>C on transcript NM_000059.4 (MANE Select); coding-DNA position 1680, T replaced by C.
Protein change: p.Asn560=; no amino-acid change (asparagine 560 retained).
Molecular consequence: synonymous variant.
Genome position (GRCh38, 1-based): chr13:32,333,158, T>C. VCF-style: chr13-32333158-T-C. GRCh37 (hg19) VCF-style: chr13-32907295-T-C.
Other names: c.1680T>C (NM_000059.3).
Identifiers: ClinVar variation 1087810 (VCV001087810.11), dbSNP rs1593893579, ClinGen allele CA483436579.
Genomic context (GRCh38, chr13:32,333,158, plus strand): 5'-GGAAATACATACTGTTTGCTCACAGAAGGAGGACTCCTTATGTCCAAATTTAATTGATAA[T>C]GGAAGCTGGCCAGCCACCACCACACAGAATTCTGTAGCTTTGAAGAATGCAGGTTTAATA-3'
Protein context (NP_000050.3, residues 550-570): EDSLCPNLID[Asn560=]GSWPATTTQN